The following is an entry in ClinVar:

NM_000083.3(CLCN1):c.220C>T (p.Gln74Ter)

Gene: CLCN1 (chloride voltage-gated channel 1; plus strand). Cytogenetic location: 7q34.
Variant type: single nucleotide variant.
Coding change: c.220C>T on transcript NM_000083.3 (MANE Select); coding-DNA position 220, C replaced by T.
Protein change: p.Gln74Ter; replaces glutamine 74 with a stop codon.
Molecular consequence: nonsense. On other transcripts: non-coding transcript variant (1).
Genome position (GRCh38, 1-based): chr7:143,319,794, C>T. VCF-style: chr7-143319794-C-T. GRCh37 (hg19) VCF-style: chr7-143016887-C-T.
Other names: short protein forms Q74*.
Identifiers: ClinVar variation 462829 (VCV000462829.9), dbSNP rs1554434400, ClinGen allele CA369680508.

ClinVar aggregate classification (germline): Pathogenic. Review status: criteria provided, multiple submitters, no conflicts (2 of 4 stars). 2 submissions from 2 submitters: Pathogenic (2). Last evaluated 2025-02-20.

Conditions:
Congenital myotonia, autosomal recessive form. Also called: myotonia congenita, autosomal recessive; BECKER DISEASE; Becker Generalized Myotonia. Identifiers: Orphanet 614, MedGen C0751360, MONDO:0009715, OMIM 255700.
Congenital myotonia, autosomal dominant form (THD). Also called: Myotonia congenita autosomal dominant; THOMSEN DISEASE. Identifiers: Orphanet 614, MedGen C2936781, MONDO:0008055, OMIM 160800.

Allele frequency attached by ClinVar (database versions not stated): gnomAD exomes below 0.00001.

Submissions (2):

Labcorp Genetics (formerly Invitae), Labcorp
Classification: Pathogenic for Congenital myotonia, autosomal recessive form; Congenital myotonia, autosomal dominant form. Last evaluated: 2025-02-20. Review status: criteria provided, single submitter. Criteria: Invitae Variant Classification Sherloc (09022015). Collection method: clinical testing. Allele origin: germline.
Comment: This sequence change creates a premature translational stop signal (p.Gln74*) in the CLCN1 gene. It is expected to result in an absent or disrupted protein product. Loss-of-function variants in CLCN1 are known to be pathogenic (PMID: 17932099, 22094069, 23739125). This variant is not present in population databases (gnomAD no frequency). This premature translational stop signal has been observed in individuals with autosomal recessive Becker-type myotonia (PMID: 8571958, 24349310). ClinVar contains an entry for this variant (Variation ID: 462829). Algorithms developed to predict the effect of sequence changes on RNA splicing suggest that this variant may disrupt the consensus splice site. For these reasons, this variant has been classified as Pathogenic.

MGZ Medical Genetics Center
Classification: Pathogenic for Congenital myotonia, autosomal recessive form. Last evaluated: 2021-11-23. Review status: criteria provided, single submitter. Criteria: ACMG Guidelines, 2015. Collection method: clinical testing. Allele origin: germline. Affected: yes. Observed: 1 variant allele.
Comment: ACMG criteria applied: PVS1, PM3, PM2_SUP

Literature cited by the submitters: PubMed 17932099 (cited by Labcorp Genetics (formerly Invitae), Labcorp); PubMed 22094069 (cited by Labcorp Genetics (formerly Invitae), Labcorp); PubMed 23739125 (cited by Labcorp Genetics (formerly Invitae), Labcorp); PubMed 8571958 (cited by Labcorp Genetics (formerly Invitae), Labcorp); PubMed 24349310 (cited by Labcorp Genetics (formerly Invitae), Labcorp).